The following is an entry in ClinVar:

ClinVar aggregate classification (germline): Uncertain significance (1 of 4 stars; one submission).

Submission:

CeGaT Center for Human Genetics Tuebingen
Classification: Uncertain significance. Last evaluated: 2026-09-01. Review status: criteria provided, single submitter. Criteria: CeGaT Center For Human Genetics Tuebingen Variant Classification Criteria Version 2. Collection method: clinical testing. Allele origin: germline. Affected: yes. Observed: 1 variant allele.
Comment: CHD3: PM2

NM_001005273.3(CHD3):c.4788+5G>T

Gene: CHD3 (chromodomain helicase DNA binding protein 3; plus strand). Cytogenetic location: 17p13.1.
Variant type: single nucleotide variant.
Coding change: c.4788+5G>T on transcript NM_001005273.3 (MANE Select); 5 bases into the intron after coding-DNA position 4788, G replaced by T.
Molecular consequence: intron variant.
Genome position (GRCh38, 1-based): chr17:7,907,252, G>T. VCF-style: chr17-7907252-G-T. GRCh37 (hg19) VCF-style: chr17-7810570-G-T.
Other names: c.4965+5G>T (NM_001437504.1, NM_001005271.3); c.4953+5G>T (NM_001437509.1, NM_001437507.1, NM_001437508.1); c.4788+5G>T (NM_005852.4).
Identifiers: ClinVar variation 5041289 (VCV005041289.1).
Genomic context (GRCh38, chr17:7,907,252, plus strand): 5'-ACCAGGAGGAAAAGCCAGAGAAGAACAGCAGAATTGGGGAGAAGATGGAGACAGAGGTGT[G>T]TGGCTCCCTGGATTCCCCTGTGGAGCGGGAGGGGAGGGGGCTTGGAGGCCAGGTACCTGG-3'